The following is an entry in ClinVar:

ClinVar aggregate classification (germline): Conflicting classifications of pathogenicity. Review status: criteria provided, conflicting classifications (1 of 4 stars). 3 submissions from 3 submitters: Uncertain significance (2); Likely benign (1). Last evaluated 2025-10-22.

Conditions:
Cardiovascular phenotype. Identifiers: MedGen CN230736.

Allele frequency attached by ClinVar (database versions not stated): ExAC 0.00001; TOPMed 0.00001.
gnomAD v4.1: 5 of 1,611,088 alleles (0.00031%); highest among the groups gnomAD compares: Non-Finnish European, 0.00042%; no homozygotes.

Submissions (3):

Mayo Clinic Laboratories, Mayo Clinic
Classification: Uncertain significance. Last evaluated: 2025-10-22. Review status: criteria provided, single submitter. Criteria: ACMG Guidelines, 2015. Collection method: clinical testing. Allele origin: germline. Observed: 1 variant allele.
Comment: BP4_moderate, PM2_supporting

Ambry Genetics
Classification: Likely benign for Cardiovascular phenotype. Last evaluated: 2024-07-23. Review status: criteria provided, single submitter. Criteria: Ambry Variant Classification Scheme 2023. Collection method: clinical testing. Allele origin: germline.

GeneDx
Classification: Uncertain significance. Last evaluated: 2024-01-31. Review status: criteria provided, single submitter. Criteria: GeneDx Variant Classification Process June 2021. Collection method: clinical testing. Allele origin: germline. Affected: yes.
Comment: Has not been previously published as pathogenic or benign to our knowledge; Not observed at significant frequency in large population cohorts (gnomAD); In silico analysis supports that this missense variant does not alter protein structure/function

NM_001365276.2(TNXB):c.7534C>G (p.Pro2512Ala)

Gene: TNXB (tenascin XB; minus strand). Cytogenetic location: 6p21.33.
Variant type: single nucleotide variant.
Coding change: c.7534C>G on transcript NM_001365276.2 (MANE Select); coding-DNA position 7534, C replaced by G.
Protein change: p.Pro2512Ala; replaces proline 2512 with alanine.
Molecular consequence: missense variant.
Genome position (GRCh38, 1-based): chr6:32,058,349, G>C on the plus strand (C>G on the coding strand, the complement: TNXB is on the minus strand). VCF-style: chr6-32058349-G-C. GRCh37 (hg19) VCF-style: chr6-32026126-G-C.
Other names: p.Pro2512Ala; c.7534C>G, p.Pro2512Ala (NM_019105.8); short protein forms P2512A.
Identifiers: ClinVar variation 1759395 (VCV001759395.4), dbSNP rs775958640, ClinGen allele CA3734121.